The following is an entry in ClinVar:

NM_001042681.2(RERE):c.442T>C (p.Cys148Arg)

Gene: RERE (arginine-glutamic acid dipeptide repeats; minus strand). Cytogenetic location: 1p36.23.
Variant type: single nucleotide variant.
Coding change: c.442T>C on transcript NM_001042681.2 (MANE Select); coding-DNA position 442, T replaced by C.
Protein change: p.Cys148Arg; replaces cysteine 148 with arginine.
Molecular consequence: missense variant.
Genome position (GRCh38, 1-based): chr1:8,614,641, A>G on the plus strand (T>C on the coding strand, the complement: RERE is on the minus strand). VCF-style: chr1-8614641-A-G. GRCh37 (hg19) VCF-style: chr1-8674700-A-G.
Other names: c.442T>C, p.Cys148Arg (NM_012102.4); short protein forms C148R.
Identifiers: ClinVar variation 4629050 (VCV004629050.2).

ClinVar aggregate classification (germline): Uncertain significance. Review status: criteria provided, multiple submitters, no conflicts (2 of 4 stars). 2 submissions from 2 submitters: Uncertain significance (2). Last evaluated 2025-11-26.

Conditions:
Inborn genetic diseases. Identifiers: MedGen C0950123, MeSH D030342.

gnomAD v4.1: 7 of 1,613,120 alleles (0.00043%); highest among the groups gnomAD compares: Non-Finnish European, 0.00059%; no homozygotes.

Submissions (2):

Ambry Genetics
Classification: Uncertain significance for Inborn genetic diseases. Last evaluated: 2025-11-26. Review status: criteria provided, single submitter. Criteria: Ambry Variant Classification Scheme 2023. Collection method: clinical testing. Allele origin: germline.

Labcorp Genetics (formerly Invitae), Labcorp
Classification: Uncertain significance. Last evaluated: 2025-11-05. Review status: criteria provided, single submitter. Criteria: Invitae Variant Classification Sherloc (09022015). Collection method: clinical testing. Allele origin: germline.
Comment: This sequence change replaces cysteine, which is neutral and slightly polar, with arginine, which is basic and polar, at codon 148 of the RERE protein (p.Cys148Arg). This variant is not present in population databases (gnomAD no frequency). This variant has not been reported in the literature in individuals affected with RERE-related conditions. Invitae Evidence Modeling of protein sequence and biophysical properties (such as structural, functional, and spatial information, amino acid conservation, physicochemical variation, residue mobility, and thermodynamic stability) indicates that this missense variant is not expected to disrupt RERE protein function with a negative predictive value of 95%. In summary, the available evidence is currently insufficient to determine the role of this variant in disease. Therefore, it has been classified as a Variant of Uncertain Significance.